The following is an entry in ClinVar:

ClinVar aggregate classification (germline): Uncertain significance (1 of 4 stars; one submission).

Conditions:
Hereditary cancer-predisposing syndrome. Also called: Hereditary neoplastic syndrome; Neoplastic Syndromes, Hereditary; Tumor predisposition; Hereditary Cancer Syndrome. Identifiers: Orphanet 140162, MedGen C0027672, MeSH D009386, MONDO:0015356.

Submission:

Ambry Genetics
Classification: Uncertain significance for Hereditary cancer-predisposing syndrome. Last evaluated: 2025-06-19. Review status: criteria provided, single submitter. Criteria: Ambry Variant Classification Scheme 2023. Collection method: clinical testing. Allele origin: germline.
Comment: The p.Q98K variant (also known as c.292C>A), located in coding exon 2 of the PHOX2B gene, results from a C to A substitution at nucleotide position 292. The glutamine at codon 98 is replaced by lysine, an amino acid with similar properties. This amino acid position is conserved. In addition, the in silico prediction for this alteration is inconclusive. Based on the available evidence, the clinical significance of this variant remains unclear.

NM_003924.4(PHOX2B):c.292C>A (p.Gln98Lys)

Gene: PHOX2B (paired like homeobox 2B; minus strand). Cytogenetic location: 4p13.
Variant type: single nucleotide variant.
Coding change: c.292C>A on transcript NM_003924.4 (MANE Select); coding-DNA position 292, C replaced by A.
Protein change: p.Gln98Lys; replaces glutamine 98 with lysine.
Molecular consequence: missense variant.
Genome position (GRCh38, 1-based): chr4:41,747,486, G>T on the plus strand (C>A on the coding strand, the complement: PHOX2B is on the minus strand). VCF-style: chr4-41747486-G-T. GRCh37 (hg19) VCF-style: chr4-41749503-G-T.
Other names: short protein forms Q98K.
Identifiers: ClinVar variation 4136080 (VCV004136080.1).